The following is an entry in ClinVar:

NM_024678.6(NARS2):c.951C>T (p.Asn317=)

Gene: NARS2 (asparaginyl-tRNA synthetase 2, mitochondrial; minus strand). Cytogenetic location: 11q14.1.
Variant type: single nucleotide variant.
Coding change: c.951C>T on transcript NM_024678.6 (MANE Select); coding-DNA position 951, C replaced by T.
Protein change: p.Asn317=; no amino-acid change (asparagine 317 retained).
Molecular consequence: synonymous variant. On other transcripts: missense variant (2), non-coding transcript variant (4), intron variant (1).
Genome position (GRCh38, 1-based): chr11:78,478,446, G>A on the plus strand (C>T on the coding strand, the complement: NARS2 is on the minus strand). VCF-style: chr11-78478446-G-A. GRCh37 (hg19) VCF-style: chr11-78189492-G-A.
Other names: c.270C>T, p.Asn90= (NM_001243251.2, NM_001425310.1, NM_001425312.1 and 2 more transcripts); c.951C>T, p.Asn317= (NM_001425299.1, NM_001425300.1, NM_001425304.1 and 1 more transcripts); c.946C>T, p.Leu316Phe (NM_001425301.1, NM_001425306.1); c.870C>T, p.Asn290= (NM_001425302.1, NM_001425303.1); c.723C>T, p.Asn241= (NM_001425307.1); c.720C>T, p.Asn240= (NM_001425308.1); c.300C>T, p.Asn100= (NM_001425311.1); c.690-9133C>T (NM_001425309.1); short protein forms L316F.
Identifiers: ClinVar variation 3613682 (VCV003613682.3).
Genomic context (GRCh38, chr11:78,478,446, plus strand): 5'-TGATAAATACAGTGATAATGAATAAAGTTCAAAAAGTATAACATCTACTTACATTAAAAA[G>A]TTGTTTTTTAGCATATGTTCTAATCTGTCCTTAATAAAAAGACAAAAAAGAAAATTTTAA-3'
Protein context (NP_078954.4, residues 307-327): KDRLEHMLKN[Asn317=]FLIISYTEAV

ClinVar aggregate classification (germline): Pathogenic/Likely pathogenic. Review status: criteria provided, multiple submitters, no conflicts (2 of 4 stars). 2 submissions from 2 submitters: Pathogenic (1); Likely pathogenic (1). Last evaluated 2025-06-23.

Submissions (2):

Dasa
Classification: Pathogenic. Last evaluated: 2025-06-23. Review status: criteria provided, single submitter. Criteria: DASA Assertion Criteria. Collection method: clinical testing. Allele origin: germline.
Comment: NM_024678.6(NARS2):c.951C>T (p.Asn317=) is a sequence variant. Functional evidence supports a deleterious effect on the gene or gene product (PMID: 32488467). This variant has been reported in individuals with related phenotype (PMID: 32488467). Multiple computational predictions support a deleterious effect on the gene or gene product. The variant is present at low frequency in population datasets. Based on the available data, this variant is classified as pathogenic.

Labcorp Genetics (formerly Invitae), Labcorp
Classification: Likely pathogenic. Last evaluated: 2025-04-05. Review status: criteria provided, single submitter. Criteria: Invitae Variant Classification Sherloc (09022015). Collection method: clinical testing. Allele origin: germline.
Comment: This sequence change affects codon 317 of the NARS2 mRNA. It is a 'silent' change, meaning that it does not change the encoded amino acid sequence of the NARS2 protein. RNA analysis indicates that this variant induces altered splicing and may result in an absent or altered protein product. This variant is not present in population databases (gnomAD no frequency). This variant has been observed in individual(s) with NARS2-related conditions (PMID: 32488467). This variant is also known as c.270C>T, N90N . ClinVar contains an entry for this variant (Variation ID: 3613682). Studies have shown that this variant alters NARS2 gene expression (PMID: 32488467). Studies have shown that this variant results in skipping of exon 9, and produces a non-functional protein and/or introduces a premature termination codon (PMID: 32488467). In summary, the currently available evidence indicates that the variant is pathogenic, but additional data are needed to prove that conclusively. Therefore, this variant has been classified as Likely Pathogenic.

Literature cited by the submitters: PubMed 32488467 (cited by Dasa and Labcorp Genetics (formerly Invitae), Labcorp).